The following is an entry in ClinVar:

NM_000051.4(ATM):c.6868G>T (p.Glu2290Ter)

Genes: ATM (ATM serine/threonine kinase; plus strand), C11orf65 (chromosome 11 open reading frame 65; minus strand). Cytogenetic location: 11q22.3.
Variant type: single nucleotide variant.
Coding change: c.6868G>T on transcript NM_000051.4 (MANE Select); coding-DNA position 6868, G replaced by T.
Protein change: p.Glu2290Ter; replaces glutamic acid 2290 with a stop codon.
Molecular consequence: nonsense. On other transcripts: intron variant (2).
Genome position (GRCh38, 1-based): chr11:108,326,118, G>T. VCF-style: chr11-108326118-G-T. GRCh37 (hg19) VCF-style: chr11-108196845-G-T.
Other names: c.6868G>T, p.Glu2290Ter (NM_001351834.2); c.641-17047C>A (NM_001330368.2); c.*38+9102C>A (NM_001351110.2); short protein forms E2290*.
Identifiers: ClinVar variation 4540630 (VCV004540630.1).

ClinVar aggregate classification (germline): Pathogenic (1 of 4 stars; one submission).

Conditions:
Inherited breast cancer and ovarian cancer.

Submission:

Cambridge Genomics Laboratory, East Genomic Laboratory Hub, NHS Genomic Medicine Service
Classification: Pathogenic for Inherited breast cancer and ovarian cancer. Last evaluated: 2025-12-15. Review status: criteria provided, single submitter. Criteria: ACGS Best Practice Guidelines for Variant Classification in Rare Disease 2020. Collection method: clinical testing. Allele origin: germline. Affected: yes.
Comment: PVS1,PM2_Supporting,PM5_Supporting